The following is an entry in ClinVar:

NM_000179.3(MSH6):c.3172+5G>T

Gene: MSH6 (mutS homolog 6; plus strand). Cytogenetic location: 2p16.3.
Variant type: single nucleotide variant.
Coding change: c.3172+5G>T on transcript NM_000179.3 (MANE Select); 5 bases into the intron after coding-DNA position 3172, G replaced by T.
Molecular consequence: intron variant.
Genome position (GRCh38, 1-based): chr2:47,801,160, G>T. VCF-style: chr2-47801160-G-T. GRCh37 (hg19) VCF-style: chr2-48028299-G-T.
Other names: c.2266+5G>T (NM_001281493.2, NM_001281494.2); c.2782+5G>T (NM_001281492.2).
Identifiers: ClinVar variation 232591 (VCV000232591.14), dbSNP rs876659857, ClinGen allele CA10578131.

ClinVar aggregate classification (germline): Uncertain significance. Review status: criteria provided, multiple submitters, no conflicts (2 of 4 stars). 2 submissions from 2 submitters: Uncertain significance (2). Last evaluated 2024-09-25.

Conditions:
Hereditary nonpolyposis colorectal neoplasms. Identifiers: MedGen C0009405, MeSH D003123.
Hereditary cancer-predisposing syndrome. Also called: Neoplastic Syndromes, Hereditary; Tumor predisposition; Hereditary Cancer Syndrome; Hereditary neoplastic syndrome. Identifiers: Orphanet 140162, MedGen C0027672, MeSH D009386, MONDO:0015356.

Allele frequency attached by ClinVar (database versions not stated): gnomAD 0.00001; TOPMed 0.00001.
gnomAD v4.1: 2 of 1,608,256 alleles (0.00012%); highest among the groups gnomAD compares: Non-Finnish European, 0.00017%; no homozygotes.

Submissions (2):

Ambry Genetics
Classification: Uncertain significance for Hereditary cancer-predisposing syndrome. Last evaluated: 2024-09-25. Review status: criteria provided, single submitter. Criteria: Ambry Variant Classification Scheme 2023. Collection method: clinical testing. Allele origin: germline.
Comment: The c.3172+5G>T intronic variant results from a G to T substitution 5 nucleotides after coding exon 4 in the MSH6 gene. This nucleotide position is highly conserved in available vertebrate species. In silico splice site analysis predicts that this alteration may weaken the native splice donor site; however, direct evidence is insufficient at this time (Ambry internal data). Based on the available evidence, the clinical significance of this variant remains unclear.

Labcorp Genetics (formerly Invitae), Labcorp
Classification: Uncertain significance for Hereditary nonpolyposis colorectal neoplasms. Last evaluated: 2024-08-19. Review status: criteria provided, single submitter. Criteria: Invitae Variant Classification Sherloc (09022015). Collection method: clinical testing. Allele origin: germline.
Comment: This sequence change falls in intron 4 of the MSH6 gene. It does not directly change the encoded amino acid sequence of the MSH6 protein. It affects a nucleotide within the consensus splice site. This variant is not present in population databases (gnomAD no frequency). This variant has not been reported in the literature in individuals affected with MSH6-related conditions. ClinVar contains an entry for this variant (Variation ID: 232591). Variants that disrupt the consensus splice site are a relatively common cause of aberrant splicing (PMID: 17576681, 9536098). Studies have shown that this variant is associated with inconclusive levels of altered splicing (Invitae). In summary, the available evidence is currently insufficient to determine the role of this variant in disease. Therefore, it has been classified as a Variant of Uncertain Significance.

Literature cited by the submitters: PubMed 17576681 (cited by Labcorp Genetics (formerly Invitae), Labcorp); PubMed 9536098 (cited by Labcorp Genetics (formerly Invitae), Labcorp).